The following is an entry in ClinVar:

NM_024876.4(COQ8B):c.1424G>A (p.Arg475Gln)

Gene: COQ8B (coenzyme Q8B; minus strand). Cytogenetic location: 19q13.2.
Variant type: single nucleotide variant.
Coding change: c.1424G>A on transcript NM_024876.4 (MANE Select); coding-DNA position 1424, G replaced by A.
Protein change: p.Arg475Gln; replaces arginine 475 with glutamine.
Molecular consequence: missense variant.
Genome position (GRCh38, 1-based): chr19:40,692,246, C>T on the plus strand (G>A on the coding strand, the complement: COQ8B is on the minus strand). VCF-style: chr19-40692246-C-T. GRCh37 (hg19) VCF-style: chr19-41198151-C-T.
Other names: c.1301G>A, p.Arg434Gln (NM_001142555.3); short protein forms R434Q, R475Q.
Identifiers: ClinVar variation 1913701 (VCV001913701.2), dbSNP rs371633001, ClinGen allele CA9450004.

ClinVar aggregate classification (germline): Uncertain significance (1 of 4 stars; one submission).

Allele frequency attached by ClinVar (database versions not stated): gnomAD exomes below 0.00001; ExAC 0.00001; gnomAD 0.00001; ESP Exome Variant Server 0.00008.
gnomAD v4.1: 6 of 1,612,004 alleles (0.00037%); highest among the groups gnomAD compares: African/African-American, 0.0013%; no homozygotes.

Submission:

Labcorp Genetics (formerly Invitae), Labcorp
Classification: Uncertain significance. Last evaluated: 2022-04-07. Review status: criteria provided, single submitter. Criteria: Invitae Variant Classification Sherloc (09022015). Collection method: clinical testing. Allele origin: germline.
Comment: This sequence change replaces arginine, which is basic and polar, with glutamine, which is neutral and polar, at codon 475 of the COQ8B protein (p.Arg475Gln). The frequency data for this variant in the population databases is considered unreliable, as metrics indicate poor data quality at this position in the gnomAD database. This variant has not been reported in the literature in individuals affected with COQ8B-related conditions. Advanced modeling of protein sequence and biophysical properties (such as structural, functional, and spatial information, amino acid conservation, physicochemical variation, residue mobility, and thermodynamic stability) performed at Invitae indicates that this missense variant is not expected to disrupt COQ8B protein function. Algorithms developed to predict the effect of sequence changes on RNA splicing suggest that this variant may create or strengthen a splice site. In summary, the available evidence is currently insufficient to determine the role of this variant in disease. Therefore, it has been classified as a Variant of Uncertain Significance.